The following is an entry in ClinVar:

ClinVar aggregate classification (germline): Uncertain significance (1 of 4 stars; one submission).

Submission:

Labcorp Genetics (formerly Invitae), Labcorp
Classification: Uncertain significance. Last evaluated: 2024-10-16. Review status: criteria provided, single submitter. Criteria: Invitae Variant Classification Sherloc (09022015). Collection method: clinical testing. Allele origin: germline.
Comment: This sequence change replaces threonine, which is neutral and polar, with alanine, which is neutral and non-polar, at codon 158 of the IL12RB2 protein (p.Thr158Ala). This variant is not present in population databases (gnomAD no frequency). This variant has not been reported in the literature in individuals affected with IL12RB2-related conditions. ClinVar contains an entry for this variant (Variation ID: 1959443). An algorithm developed to predict the effect of missense changes on protein structure and function outputs the following: PolyPhen-2: "Benign". The alanine amino acid residue is found in multiple mammalian species, which suggests that this missense change does not adversely affect protein function. In summary, the available evidence is currently insufficient to determine the role of this variant in disease. Therefore, it has been classified as a Variant of Uncertain Significance.

NM_001374259.2(IL12RB2):c.472A>G (p.Thr158Ala)

Gene: IL12RB2 (interleukin 12 receptor subunit beta 2; plus strand). Cytogenetic location: 1p31.3.
Variant type: single nucleotide variant.
Coding change: c.472A>G on transcript NM_001374259.2 (MANE Select); coding-DNA position 472, A replaced by G.
Protein change: p.Thr158Ala; replaces threonine 158 with alanine.
Molecular consequence: missense variant. On other transcripts: non-coding transcript variant (2).
Genome position (GRCh38, 1-based): chr1:67,326,842, A>G. VCF-style: chr1-67326842-A-G. GRCh37 (hg19) VCF-style: chr1-67792525-A-G.
Other names: c.472A>G, p.Thr158Ala (NM_001258214.1, NM_001258215.1, NM_001258216.1 and 2 more transcripts); short protein forms T158A.
Identifiers: ClinVar variation 1959443 (VCV001959443.5), dbSNP rs2525901147, ClinGen allele CA340732058.